The following is an entry in ClinVar:

ClinVar aggregate classification (germline): Uncertain significance (1 of 4 stars; one submission).

Conditions:
Cardiovascular phenotype. Identifiers: MedGen CN230736.

Allele frequency attached by ClinVar (database versions not stated): ESP Exome Variant Server 0.00008.
gnomAD v4.1: 49 of 1,612,356 alleles (0.003%); highest among the groups gnomAD compares: Non-Finnish European, 0.004%; no homozygotes.

Submission:

Ambry Genetics
Classification: Uncertain significance for Cardiovascular phenotype. Last evaluated: 2020-11-24. Review status: criteria provided, single submitter. Criteria: Ambry Variant Classification Scheme 2023. Collection method: clinical testing. Allele origin: germline.
Comment: The p.R1383L variant (also known as c.4148G>T), located in coding exon 30 of the LAMA4 gene, results from a G to T substitution at nucleotide position 4148. The arginine at codon 1383 is replaced by leucine, an amino acid with dissimilar properties. This amino acid position is well conserved in available vertebrate species. In addition, this alteration is predicted to be tolerated by in silico analysis. Since supporting evidence is limited at this time, the clinical significance of this alteration remains unclear.

NM_001105206.3(LAMA4):c.4169G>T (p.Arg1390Leu)

Gene: LAMA4 (laminin subunit alpha 4; minus strand). Cytogenetic location: 6q21.
Variant type: single nucleotide variant.
Coding change: c.4169G>T on transcript NM_001105206.3 (MANE Select); coding-DNA position 4169, G replaced by T.
Protein change: p.Arg1390Leu; replaces arginine 1390 with leucine.
Molecular consequence: missense variant.
Genome position (GRCh38, 1-based): chr6:112,129,040, C>A on the plus strand (G>T on the coding strand, the complement: LAMA4 is on the minus strand). VCF-style: chr6-112129040-C-A. GRCh37 (hg19) VCF-style: chr6-112450242-C-A.
Other names: c.4148G>T, p.Arg1383Leu (NM_001105207.3, NM_002290.5); short protein forms R1390L, R1383L.
Identifiers: ClinVar variation 1738216 (VCV001738216.2), dbSNP rs200468893, ClinGen allele CA3965041.